The following is an entry in ClinVar:

ClinVar aggregate classification (germline): Uncertain significance (1 of 4 stars; one submission).

Allele frequency attached by ClinVar (database versions not stated): gnomAD exomes below 0.00001.

Submission:

Ambry Genetics
Classification: Uncertain significance. Last evaluated: 2022-04-09. Review status: criteria provided, single submitter. Criteria: Ambry Variant Classification Scheme 2023. Collection method: clinical testing. Allele origin: germline.
Comment: The p.V607A variant (also known as c.1820T>C), located in coding exon 16 of the RAD54L gene, results from a T to C substitution at nucleotide position 1820. The valine at codon 607 is replaced by alanine, an amino acid with similar properties. This amino acid position is conserved. In addition, this alteration is predicted to be deleterious by in silico analysis. Since supporting evidence is limited at this time, the clinical significance of this alteration remains unclear.

NM_003579.4(RAD54L):c.1820T>C (p.Val607Ala)

Gene: RAD54L (RAD54 like; plus strand). Cytogenetic location: 1p34.1.
Variant type: single nucleotide variant.
Coding change: c.1820T>C on transcript NM_003579.4 (MANE Select); coding-DNA position 1820, T replaced by C.
Protein change: p.Val607Ala; replaces valine 607 with alanine.
Molecular consequence: missense variant.
Genome position (GRCh38, 1-based): chr1:46,274,668, T>C. VCF-style: chr1-46274668-T-C. GRCh37 (hg19) VCF-style: chr1-46740340-T-C.
Other names: c.1820T>C, p.Val607Ala (NM_001142548.2); c.1280T>C, p.Val427Ala (NM_001370766.1); short protein forms V427A, V607A.
Identifiers: ClinVar variation 1780761 (VCV001780761.2), dbSNP rs1569617442, ClinGen allele CA340186166.